The following is an entry in ClinVar:

ClinVar aggregate classification (germline): Conflicting classifications of pathogenicity. Review status: criteria provided, conflicting classifications (1 of 4 stars). 2 submissions from 2 submitters: Uncertain significance (1); Likely benign (1). Last evaluated 2024-08-06.

Submissions (2):

Blueprint Genetics
Classification: Likely benign. Last evaluated: 2024-08-06. Review status: criteria provided, single submitter. Criteria: ACMG Guidelines, 2015. Collection method: clinical testing. Allele origin: germline.

Labcorp Genetics (formerly Invitae), Labcorp
Classification: Uncertain significance. Last evaluated: 2023-07-10. Review status: criteria provided, single submitter. Criteria: Invitae Variant Classification Sherloc (09022015). Collection method: clinical testing. Allele origin: germline.
Comment: In summary, the available evidence is currently insufficient to determine the role of this variant in disease. Therefore, it has been classified as a Variant of Uncertain Significance. Algorithms developed to predict the effect of sequence changes on RNA splicing suggest that this variant may disrupt the consensus splice site. This variant has not been reported in the literature in individuals affected with PRPF31-related conditions. This variant is not present in population databases (gnomAD no frequency). This sequence change falls in intron 9 of the PRPF31 gene. It does not directly change the encoded amino acid sequence of the PRPF31 protein.

NM_015629.4(PRPF31):c.945+19G>C

Gene: PRPF31 (pre-mRNA processing factor 31; plus strand). Cytogenetic location: 19q13.42.
Variant type: single nucleotide variant.
Coding change: c.945+19G>C on transcript NM_015629.4 (MANE Select); 19 bases into the intron after coding-DNA position 945, G replaced by C.
Molecular consequence: intron variant.
Genome position (GRCh38, 1-based): chr19:54,126,636, G>C. VCF-style: chr19-54126636-G-C. GRCh37 (hg19) VCF-style: chr19-54630011-G-C.
Identifiers: ClinVar variation 2878967 (VCV002878967.4), dbSNP rs2146437135, ClinGen allele CA2576880389.
Genomic context (GRCh38, chr19:54,126,636, plus strand): 5'-GCAGCCCGTGTGGACAGTTTCCACGAGAGCACAGAAGGGAAGGTGAGGAGGGAAAGGTGA[G>C]GGGCGGCCGGGCGTCTTTTCCTCTGGGCCTGGGGTGTCTCTGCAGGGAGACCCTCAGCAG-3'